The following is an entry in ClinVar:

ClinVar aggregate classification (germline): Conflicting classifications of pathogenicity. Review status: criteria provided, conflicting classifications (1 of 4 stars). 2 submissions from 2 submitters: Uncertain significance (1); Likely benign (1). Last evaluated 2024-12-10.

Conditions:
Early-infantile DEE. Also called: Ohtahara syndrome; Early infantile epileptic encephalopathy; Early infantile epileptic encephalopathy with suppression bursts. Identifiers: Orphanet 1934, MedGen C0393706, MONDO:0800491.
Generalized epilepsy with febrile seizures plus, type 10. Also called: GEFS+, TYPE 10. Identifiers: MedGen C5193120, MONDO:0032777, OMIM 618482.

gnomAD v4.1: 49 of 1,613,978 alleles (0.003%); highest among the groups gnomAD compares: South Asian, 0.053%; 2 homozygotes.

Submissions (2):

Labcorp Genetics (formerly Invitae), Labcorp
Classification: Likely benign for Early-infantile DEE. Last evaluated: 2024-12-10. Review status: criteria provided, single submitter. Criteria: Invitae Variant Classification Sherloc (09022015). Collection method: clinical testing. Allele origin: germline.

Neuberg Centre For Genomic Medicine, NCGM
Classification: Uncertain significance for Generalized epilepsy with febrile seizures plus, type 10. Last evaluated: 2023-05-20. Review status: criteria provided, single submitter. Criteria: ACMG Guidelines, 2015. Collection method: clinical testing. Allele origin: germline. Inheritance: Autosomal dominant inheritance. Affected: yes.
Comment: The observed missense c.1917C>G(p.Ile639Met) variant in HCN1 gene has not been reported previously as a pathogenic variant nor a benign variant, to our knowledge. The p.Ile639Met variant has been reported with allele frequency of 0.006% in gnomAD Exomes. This variant has not been submitted to the ClinVar database. Multiple lines of computational evidences (Polyphen - Benign, SIFT - Tolerated and MutationTaster - Polymorphism) predict no damaging effect on protein structure and function for this variant. The reference amino acid is predicted as conserved by GERP++ and PhyloP across 100 vertebrates. The amino acid Ile at position 639 is changed to a Met changing protein sequence and it might alter its composition and physico-chemical properties. For these reasons, this variant has been classified as a Variant of Uncertain Significance (VUS).

NM_021072.4(HCN1):c.1917C>G (p.Ile639Met)

Gene: HCN1 (hyperpolarization activated cyclic nucleotide gated potassium channel 1; minus strand). Cytogenetic location: 5p12.
Variant type: single nucleotide variant.
Coding change: c.1917C>G on transcript NM_021072.4 (MANE Select); coding-DNA position 1917, C replaced by G.
Protein change: p.Ile639Met; replaces isoleucine 639 with methionine.
Molecular consequence: missense variant.
Genome position (GRCh38, 1-based): chr5:45,262,677, G>C on the plus strand (C>G on the coding strand, the complement: HCN1 is on the minus strand). VCF-style: chr5-45262677-G-C. GRCh37 (hg19) VCF-style: chr5-45262779-G-C.
Other names: short protein forms I639M.
Identifiers: ClinVar variation 3367042 (VCV003367042.3).
Genomic context (GRCh38, chr5:45,262,677, plus strand): 5'-GCGGGAGGTCGGGGTCGTAGTAGACGATGTGGAATTCAGGGTTGTCATTTGAGGATAATT[G>C]ATGGGAGCGATTGCCTGCACCATCTCCCTGTCATGTTTCACAATCTGCTTGAGGATTTCG-3'
Protein context (NP_066550.2, residues 629-649): DREMVQAIAP[Ile639Met]NYPQMTTLNS